The following is an entry in ClinVar:

NM_006361.6(HOXB13):c.-5G>A

Gene: HOXB13 (homeobox B13; minus strand). Cytogenetic location: 17q21.32.
Variant type: single nucleotide variant.
Coding change: c.-5G>A on transcript NM_006361.6 (MANE Select); 5 bases upstream of the start codon, G replaced by A.
Molecular consequence: 5 prime UTR variant.
Genome position (GRCh38, 1-based): chr17:48,728,598, C>T on the plus strand (G>A on the coding strand, the complement: HOXB13 is on the minus strand). VCF-style: chr17-48728598-C-T. GRCh37 (hg19) VCF-style: chr17-46805960-C-T.
Identifiers: ClinVar variation 690900 (VCV000690900.3), dbSNP rs1567701739, ClinGen allele CA915950520.

ClinVar aggregate classification (germline): Uncertain significance. Review status: criteria provided, single submitter (1 of 4 stars). 2 submissions from 2 submitters: Uncertain significance (1). 1 of the submissions does not count toward it. Last evaluated 2026-08-08.

Conditions:
Prostate cancer, hereditary, 1 (HPC1). Identifiers: Orphanet 1331, MedGen C4722327, MONDO:0011098, OMIM 601518.
Hereditary cancer-predisposing syndrome. Also called: Tumor predisposition; Hereditary Cancer Syndrome; Neoplastic Syndromes, Hereditary; Hereditary neoplastic syndrome. Identifiers: Orphanet 140162, MedGen C0027672, MeSH D009386, MONDO:0015356.

gnomAD v4.1: 2 of 1,611,478 alleles (0.00012%); highest among the groups gnomAD compares: Non-Finnish European, 0.000085%; no homozygotes.

Submissions (2):

Ambry Genetics
Classification: Uncertain significance for Hereditary cancer-predisposing syndrome. Last evaluated: 2026-08-08. Review status: criteria provided, single submitter. Criteria: Ambry Variant Classification Scheme 2023. Collection method: clinical testing. Allele origin: germline.
Comment: The c.-5G>A variant is located in the 5' untranslated region (5&rsquo; UTR) of the HOXB13 gene. This variant results from a G to A substitution 5 bases upstream from the first translated codon. This nucleotide position is highly conserved in available vertebrate species. Based on the available evidence, the clinical significance of this variant remains unclear.

Laboratory of Virology, Microbiology,  Quality and Medical Biotechnologies, Faculty of Sciences and Techniques - Mohammedia, Hassan II University of Casablanca
Classification: Uncertain significance for Prostate cancer, hereditary, 1. Review status: no assertion criteria provided. Collection method: clinical testing. Allele origin: somatic. Affected: yes. Not counted in ClinVar's aggregate classification.